The following is an entry in ClinVar:

ClinVar aggregate classification (germline): Uncertain significance. Review status: criteria provided, multiple submitters, no conflicts (2 of 4 stars). 2 submissions from 2 submitters: Uncertain significance (2). Last evaluated 2025-11-11.

Conditions:
Inborn genetic diseases. Identifiers: MedGen C0950123, MeSH D030342.

Allele frequency attached by ClinVar (database versions not stated): gnomAD 0.00001; TOPMed 0.00001.
gnomAD v4.1: 8 of 1,613,466 alleles (0.0005%); highest among the groups gnomAD compares: East Asian, 0.0022%; no homozygotes.

Submissions (2):

Ambry Genetics
Classification: Uncertain significance for Inborn genetic diseases. Last evaluated: 2025-11-11. Review status: criteria provided, single submitter. Criteria: Ambry Variant Classification Scheme 2023. Collection method: clinical testing. Allele origin: germline.
Comment: The c.4943C>T (p.S1648L) alteration is located in exon 43 (coding exon 42) of the NALCN gene. This alteration results from a C to T substitution at nucleotide position 4943, causing the serine (S) at amino acid position 1648 to be replaced by a leucine (L). Based on data from gnomAD, the T allele has an overall frequency of <0.001% (1/250630) total alleles studied. The highest observed frequency was 0.001% (1/113518) of European (non-Finnish) alleles. Based on insufficient or conflicting evidence, the clinical significance of this alteration remains unclear.

Labcorp Genetics (formerly Invitae), Labcorp
Classification: Uncertain significance. Last evaluated: 2024-10-16. Review status: criteria provided, single submitter. Criteria: Invitae Variant Classification Sherloc (09022015). Collection method: clinical testing. Allele origin: germline.
Comment: This sequence change replaces serine, which is neutral and polar, with leucine, which is neutral and non-polar, at codon 1648 of the NALCN protein (p.Ser1648Leu). The frequency data for this variant in the population databases is considered unreliable, as metrics indicate poor data quality at this position in the gnomAD database. This variant has not been reported in the literature in individuals affected with NALCN-related conditions. ClinVar contains an entry for this variant (Variation ID: 1932488). Invitae Evidence Modeling of protein sequence and biophysical properties (such as structural, functional, and spatial information, amino acid conservation, physicochemical variation, residue mobility, and thermodynamic stability) indicates that this missense variant is not expected to disrupt NALCN protein function with a negative predictive value of 80%. In summary, the available evidence is currently insufficient to determine the role of this variant in disease. Therefore, it has been classified as a Variant of Uncertain Significance.

NM_052867.4(NALCN):c.4943C>T (p.Ser1648Leu)

Genes: NALCN (sodium leak channel, non-selective; minus strand), NALCN-AS1 (NALCN antisense RNA 1; plus strand). Cytogenetic location: 13q32.3.
Variant type: single nucleotide variant.
Coding change: c.4943C>T on transcript NM_052867.4 (MANE Select); coding-DNA position 4943, C replaced by T.
Protein change: p.Ser1648Leu; replaces serine 1648 with leucine.
Molecular consequence: missense variant. On other transcripts: non-coding transcript variant (1).
Genome position (GRCh38, 1-based): chr13:101,058,019, G>A on the plus strand (C>T on the coding strand, the complement: NALCN is on the minus strand). VCF-style: chr13-101058019-G-A. GRCh37 (hg19) VCF-style: chr13-101710371-G-A.
Other names: c.5030C>T, p.Ser1677Leu (NM_001350748.2); c.4943C>T, p.Ser1648Leu (NM_001350749.2); c.4856C>T, p.Ser1619Leu (NM_001350750.2, NM_001350751.2); short protein forms S1619L, S1648L, S1677L.
Identifiers: ClinVar variation 1932488 (VCV001932488.7), dbSNP rs779956241, ClinGen allele CA7034963.
Genomic context (GRCh38, chr13:101,058,019, plus strand): 5'-CCAAATTTCCTCTGGGGTTTCCCTGCGTCGGCTGCATCTTGCCGACTTCCTCCTCGATCC[G>A]ACAGCGTGGGGCTCAGGAGCTGCTGCTGGCTGCTTGTCTGCATGGGAGGAGAAGCACACA-3'
Protein context (NP_443099.1, residues 1638-1658): SQQQLLSPTL[Ser1648Leu]DRGGSRQDAA